The following is an entry in ClinVar:

ClinVar aggregate classification (germline): Uncertain significance (1 of 4 stars; one submission).

Submission:

Labcorp Genetics (formerly Invitae), Labcorp
Classification: Uncertain significance. Last evaluated: 2023-04-24. Review status: criteria provided, single submitter. Criteria: Invitae Variant Classification Sherloc (09022015). Collection method: clinical testing. Allele origin: germline.
Comment: This variant is not present in population databases (gnomAD no frequency). This variant has not been reported in the literature in individuals affected with DCHS1-related conditions. Advanced modeling of protein sequence and biophysical properties (such as structural, functional, and spatial information, amino acid conservation, physicochemical variation, residue mobility, and thermodynamic stability) performed at Invitae indicates that this missense variant is not expected to disrupt DCHS1 protein function. In summary, the available evidence is currently insufficient to determine the role of this variant in disease. Therefore, it has been classified as a Variant of Uncertain Significance. This sequence change replaces serine, which is neutral and polar, with arginine, which is basic and polar, at codon 1655 of the DCHS1 protein (p.Ser1655Arg).

NM_003737.4(DCHS1):c.4965C>G (p.Ser1655Arg)

Gene: DCHS1 (dachsous cadherin-related 1; minus strand). Cytogenetic location: 11p15.4.
Variant type: single nucleotide variant.
Coding change: c.4965C>G on transcript NM_003737.4 (MANE Select); coding-DNA position 4965, C replaced by G.
Protein change: p.Ser1655Arg; replaces serine 1655 with arginine.
Molecular consequence: missense variant.
Genome position (GRCh38, 1-based): chr11:6,629,742, G>C on the plus strand (C>G on the coding strand, the complement: DCHS1 is on the minus strand). VCF-style: chr11-6629742-G-C. GRCh37 (hg19) VCF-style: chr11-6650973-G-C.
Other names: short protein forms S1655R.
Identifiers: ClinVar variation 2858956 (VCV002858956.3), dbSNP rs2493822731, ClinGen allele CA379398165.